The following is an entry in ClinVar:

NM_003072.5(SMARCA4):c.4179G>A (p.Glu1393=)

Gene: SMARCA4 (SWI/SNF related BAF chromatin remodeling complex subunit ATPase 4; plus strand). Cytogenetic location: 19p13.2.
Variant type: single nucleotide variant.
Coding change: c.4179G>A on transcript NM_003072.5 (MANE Select); coding-DNA position 4179, G replaced by A.
Protein change: p.Glu1393=; no amino-acid change (glutamic acid 1393 retained).
Molecular consequence: synonymous variant. On other transcripts: non-coding transcript variant (1).
Genome position (GRCh38, 1-based): chr19:11,041,315, G>A. VCF-style: chr19-11041315-G-A. GRCh37 (hg19) VCF-style: chr19-11151991-G-A.
Other names: c.4179G>A, p.Glu1393= (NM_001128844.3); c.4089G>A, p.Glu1363= (NM_001128845.2, NM_001128846.2); c.4080G>A, p.Glu1360= (NM_001128847.4, NM_001128848.2, NM_001374457.1); c.4275G>A, p.Glu1425= (NM_001128849.3, NM_001387283.1).
Identifiers: ClinVar variation 238460 (VCV000238460.57), dbSNP rs201879930, ClinGen allele CA9204672.

ClinVar aggregate classification (germline): Benign/Likely benign. Review status: criteria provided, multiple submitters, no conflicts (2 of 4 stars). 14 submissions from 14 submitters: Benign (6); Likely benign (7). 1 of the submissions does not count toward it. Last evaluated 2026-07-16.

Conditions:
SMARCA4-related disorder. Also called: SMARCA4-related condition.
Coffin-Siris syndrome. Identifiers: Orphanet 1465, MedGen C0265338, MONDO:0015452.
Hereditary cancer-predisposing syndrome. Also called: Hereditary Cancer Syndrome; Tumor predisposition; Hereditary neoplastic syndrome; Neoplastic Syndromes, Hereditary. Identifiers: Orphanet 140162, MedGen C0027672, MeSH D009386, MONDO:0015356.
Intellectual disability, autosomal dominant 16 (CSS4). Also called: COFFIN-SIRIS SYNDROME 4. Identifiers: Orphanet 1465, MedGen C3553249, MONDO:0013821, OMIM 614609.
Rhabdoid tumor predisposition syndrome 2 (RTPS2). Identifiers: Orphanet 231108, Orphanet 69077, MedGen C2750074, MONDO:0013224, OMIM 613325.

Allele frequency attached by ClinVar (database versions not stated): 1000 Genomes Project 30x 0.00016; gnomAD exomes 0.00060 and 0.00036; 1000 Genomes Project 0.00020; TOPMed 0.00027; gnomAD 0.00029 and 0.00030; ExAC 0.00041; ESP Exome Variant Server 0.00046.
gnomAD v4.1: 907 of 1,610,168 alleles (0.056%); highest among the groups gnomAD compares: Non-Finnish European, 0.073%; 1 homozygote.

Submissions (14):

Myriad Genetics, Inc.
Classification: Benign for Rhabdoid tumor predisposition syndrome 2. Last evaluated: 2026-07-16. Review status: criteria provided, single submitter. Criteria: Myriad Autosomal Dominant, Autosomal Recessive and X-Linked Classification Criteria (2023). Collection method: clinical testing. Allele origin: unknown.
Comment: This variant is considered benign. This variant is a silent/synonymous amino acid change and it is not expected to impact splicing.

Labcorp Genetics (formerly Invitae), Labcorp
Classification: Benign for Rhabdoid tumor predisposition syndrome 2. Last evaluated: 2026-01-27. Review status: criteria provided, single submitter. Criteria: Invitae Variant Classification Sherloc (09022015). Collection method: clinical testing. Allele origin: germline.

Blueprint Genetics
Classification: Likely benign. Last evaluated: 2024-11-27. Review status: criteria provided, single submitter. Criteria: ACMG Guidelines, 2015. Collection method: clinical testing. Allele origin: germline.

ARUP Laboratories, Molecular Genetics and Genomics, ARUP Laboratories
Classification: Likely benign. Last evaluated: 2024-07-10. Review status: criteria provided, single submitter. Criteria: ARUP Molecular Germline Variant Investigation Process 2024. Collection method: clinical testing. Allele origin: germline.

CeGaT Center for Human Genetics Tuebingen
Classification: Likely benign. Last evaluated: 2023-06-01. Review status: criteria provided, single submitter. Criteria: CeGaT Center For Human Genetics Tuebingen Variant Classification Criteria Version 2. Collection method: clinical testing. Allele origin: germline. Affected: yes. Observed: 1 variant allele.
Comment: SMARCA4: BP4, BS2

Quest Diagnostics Nichols Institute San Juan Capistrano
Classification: Benign. Last evaluated: 2022-12-03. Review status: criteria provided, single submitter. Criteria: Quest Diagnostics criteria. Collection method: clinical testing. Allele origin: unknown.

Genome-Nilou Lab
Classification: Benign for Intellectual disability, autosomal dominant 16. Last evaluated: 2021-07-15. Review status: criteria provided, single submitter. Criteria: ACMG Guidelines, 2015. Collection method: clinical testing. Allele origin: germline. Affected: no.

Sema4
Classification: Benign for Hereditary cancer-predisposing syndrome. Last evaluated: 2021-04-23. Review status: criteria provided, single submitter. Criteria: Sema4 Curation Guidelines. Collection method: curation. Allele origin: germline.

GeneDx
Classification: Likely benign. Last evaluated: 2020-03-23. Review status: criteria provided, single submitter. Criteria: GeneDx Variant Classification Process June 2021. Collection method: clinical testing. Allele origin: germline. Affected: yes.

Mendelics
Classification: Likely benign for Rhabdoid tumor predisposition syndrome 2. Last evaluated: 2019-05-28. Review status: criteria provided, single submitter. Criteria: Mendelics Assertion Criteria 2017. Collection method: clinical testing. Allele origin: unknown.

Illumina Laboratory Services, Illumina
Classification: Benign for Coffin-Siris syndrome. Last evaluated: 2018-01-13. Review status: criteria provided, single submitter. Criteria: ICSL Variant Classification Criteria 13 December 2019. Collection method: clinical testing. Allele origin: germline.
Comment: This variant was observed in the ICSL laboratory as part of a predisposition screen in an ostensibly healthy population. It had not been previously curated by ICSL or reported in the Human Gene Mutation Database (HGMD: prior to June 1st, 2018), and was therefore a candidate for classification through an automated scoring system. Utilizing variant allele frequency, disease prevalence and penetrance estimates, and inheritance mode, an automated score was calculated to assess if this variant is too frequent to cause the disease. Based on the score and internal cut-off values, a variant classified as benign is not then subjected to further curation. The score for this variant resulted in a classification of benign for this disease.

Ambry Genetics
Classification: Likely benign for Hereditary cancer-predisposing syndrome. Last evaluated: 2015-07-12. Review status: criteria provided, single submitter. Criteria: Ambry Variant Classification Scheme 2023. Collection method: clinical testing. Allele origin: germline.

Breakthrough Genomics
Classification: Likely benign. Review status: criteria provided, single submitter. Criteria: ACMG Guidelines, 2015. Collection method: not provided. Allele origin: germline. Inheritance: Autosomal dominant inheritance. Affected: yes.

PreventionGenetics, part of Exact Sciences
Classification: Likely benign for SMARCA4-related condition. Last evaluated: 2019-07-17. Review status: no assertion criteria provided. Collection method: clinical testing. Allele origin: germline. Not counted in ClinVar's aggregate classification.
Comment: This variant is classified as likely benign based on ACMG/AMP sequence variant interpretation guidelines (Richards et al. 2015 PMID: 25741868, with internal and published modifications).